The following is an entry in ClinVar:

ClinVar aggregate classification (germline): Conflicting classifications of pathogenicity. Review status: criteria provided, conflicting classifications (1 of 4 stars). 6 submissions from 6 submitters: Likely pathogenic (3); Uncertain significance (3). Last evaluated 2025-06-20.

Conditions:
SEPSECS-related disorder. Also called: SEPSECS-related condition.
Pontocerebellar hypoplasia type 2D (PCH2D). Also called: Progressive cerebello-cerebral atrophy. Identifiers: Orphanet 247198, Orphanet 2524, MedGen C3151140, MONDO:0013438, OMIM 613811.

Allele frequency attached by ClinVar (database versions not stated): gnomAD exomes below 0.00001.
gnomAD v4.1: 3 of 1,612,848 alleles (0.00019%); highest among the groups gnomAD compares: Non-Finnish European, 0.00025%; no homozygotes.

Submissions (6):

Natera, Inc.
Classification: Likely pathogenic for Pontocerebellar hypoplasia type 2d. Last evaluated: 2025-06-20. Review status: criteria provided, single submitter. Criteria: Natera Variant Classification Schema (03/2026). Collection method: clinical testing. Allele origin: germline.
Comment: The c.1178C>T variant in SEPSECS is a missense variant predicted to cause substitution of serine to leucine at amino acid 393. This variant is rare in the general population with a frequency below the threshold expected for the associated phenotype(s). This variant has been observed in one or more individuals affected with the associated recessive disease, as either homozygous or compound heterozygous with a second variant (PMID: 31130284). This variant has been identified in one or more affected individuals with a phenotype highly consistent with the associated gene (PMID: 31130284). Computational prediction algorithms indicate this variant is likely to affect gene or protein function. Given the available evidence, this variant is classified as Likely Pathogenic.

Fulgent Genetics
Classification: Likely pathogenic for Pontocerebellar hypoplasia type 2D. Last evaluated: 2024-03-25. Review status: criteria provided, single submitter. Criteria: ACMG Guidelines, 2015. Collection method: clinical testing. Allele origin: germline.

Genomic Medicine Center of Excellence, King Faisal Specialist Hospital and Research Centre
Classification: Uncertain significance for Pontocerebellar hypoplasia type 2D. Last evaluated: 2024-03-14. Review status: criteria provided, single submitter. Criteria: ACMG Guidelines, 2015. Collection method: research. Allele origin: germline.

Labcorp Genetics (formerly Invitae), Labcorp
Classification: Uncertain significance. Last evaluated: 2022-10-13. Review status: criteria provided, single submitter. Criteria: Invitae Variant Classification Sherloc (09022015). Collection method: clinical testing. Allele origin: germline.
Comment: This sequence change replaces serine, which is neutral and polar, with leucine, which is neutral and non-polar, at codon 393 of the SEPSECS protein (p.Ser393Leu). This variant is not present in population databases (gnomAD no frequency). This missense change has been observed in individual(s) with clinical features of SEPSECS-related conditions (PMID: 31130284). Advanced modeling of protein sequence and biophysical properties (such as structural, functional, and spatial information, amino acid conservation, physicochemical variation, residue mobility, and thermodynamic stability) performed at Invitae indicates that this missense variant is expected to disrupt SEPSECS protein function. In summary, the available evidence is currently insufficient to determine the role of this variant in disease. Therefore, it has been classified as a Variant of Uncertain Significance.

Blueprint Genetics
Classification: Likely pathogenic for SEPSECS-related disorders. Last evaluated: 2021-03-12. Review status: criteria provided, single submitter. Criteria: ACMG Guidelines, 2015. Collection method: clinical testing. Allele origin: germline. Affected: yes. Observed: 1 variant allele.

Neuberg Centre For Genomic Medicine, NCGM
Classification: Uncertain significance for Pontocerebellar hypoplasia type 2D. Review status: criteria provided, single submitter. Criteria: ACMG Guidelines, 2015. Collection method: clinical testing. Allele origin: germline. Affected: yes.
Comment: The missense variant c.1178C>T (p.Ser393Leu) in SEPSECS gene has not been reported previously as a pathogenic variant nor as a benign variant, to our knowledge. The p.Ser393Leu variant is novel (not in any individuals) in gnomAD Exomes and 1000 Genomes. The amino acid Ser at position 393 is changed to a Leu changing protein sequence and it might alter its composition and physico-chemical properties. The variant is predicted to be damaging by both SIFT and PolyPhen2. The residue is conserved across species. The amino acid change p.Ser393Leu in SEPSECS is predicted as conserved by GERP++ and PhyloP across 100 vertebrates. For these reasons, this variant has been classified as Uncertain Significance .

Literature cited by the submitters: PubMed 31130284 (cited by Natera, Inc. and Labcorp Genetics (formerly Invitae), Labcorp).

NM_016955.4(SEPSECS):c.1178C>T (p.Ser393Leu)

Gene: SEPSECS (Sep (O-phosphoserine) tRNA:Sec (selenocysteine) tRNA synthase; minus strand). Cytogenetic location: 4p15.2.
Variant type: single nucleotide variant.
Coding change: c.1178C>T on transcript NM_016955.4 (MANE Select); coding-DNA position 1178, C replaced by T.
Protein change: p.Ser393Leu; replaces serine 393 with leucine.
Molecular consequence: missense variant.
Genome position (GRCh38, 1-based): chr4:25,125,727, G>A on the plus strand (C>T on the coding strand, the complement: SEPSECS is on the minus strand). VCF-style: chr4-25125727-G-A. GRCh37 (hg19) VCF-style: chr4-25127349-G-A.
Other names: c.1178C>T (NM_016955.3); c.1433C>T, p.Ser478Leu (NM_001410714.1); c.1178C>T, p.Ser393Leu (NM_153825.2); short protein forms S393L, S478L.
Identifiers: ClinVar variation 1878596 (VCV001878596.8), dbSNP rs991789621, ClinGen allele CA93565505.